The following is an entry in ClinVar:

ClinVar aggregate classification (germline): Likely benign (1 of 4 stars; one submission).

Submission:

CeGaT Center for Human Genetics Tuebingen
Classification: Likely benign. Last evaluated: 2024-07-01. Review status: criteria provided, single submitter. Criteria: CeGaT Center For Human Genetics Tuebingen Variant Classification Criteria Version 2. Collection method: clinical testing. Allele origin: germline. Affected: yes. Observed: 1 variant allele.
Comment: LAMA1: PM2:Supporting, BP4, BP7

NM_005559.4(LAMA1):c.8922T>C (p.Asp2974=)

Gene: LAMA1 (laminin subunit alpha 1; minus strand). Cytogenetic location: 18p11.31.
Variant type: single nucleotide variant.
Coding change: c.8922T>C on transcript NM_005559.4 (MANE Select); coding-DNA position 8922, T replaced by C.
Protein change: p.Asp2974=; no amino-acid change (aspartic acid 2974 retained).
Molecular consequence: synonymous variant.
Genome position (GRCh38, 1-based): chr18:6,943,325, A>G on the plus strand (T>C on the coding strand, the complement: LAMA1 is on the minus strand). VCF-style: chr18-6943325-A-G. GRCh37 (hg19) VCF-style: chr18-6943324-A-G.
Identifiers: ClinVar variation 3257558 (VCV003257558.17).
Genomic context (GRCh38, chr18:6,943,325, plus strand): 5'-GTCAACAATCAGAGTGATACGGTGTTTGCTTTTGTTAGCTTGAAGAGTGTGCCATTTTCC[A>G]TCACAGAGCACAGTGGCGGTTTTGGGCTCATATGCAGCTGTTATCCTGCCAGCACCATTG-3'
Protein context (NP_005550.2, residues 2964-2984): YEPKTATVLC[Asp2974=]GKWHTLQANK